The following is an entry in ClinVar:

NM_000284.4(PDHA1):c.899+1G>C

Gene: PDHA1 (pyruvate dehydrogenase E1 subunit alpha 1; plus strand). Cytogenetic location: Xp22.12.
Variant type: single nucleotide variant.
Coding change: c.899+1G>C on transcript NM_000284.4 (MANE Select); the canonical splice donor site of the intron after coding-DNA position 899, G replaced by C.
Molecular consequence: splice donor variant.
Genome position (GRCh38, 1-based): chrX:19,357,720, G>C. VCF-style: chrX-19357720-G-C. GRCh37 (hg19) VCF-style: chrX-19375838-G-C.
Other names: c.1013+1G>C (NM_001173454.2); c.920+1G>C (NM_001173455.2); c.806+1G>C (NM_001173456.2).
Identifiers: ClinVar variation 4070512 (VCV004070512.1).

ClinVar aggregate classification (germline): Pathogenic (0 of 4 stars; one submission).

Conditions:
Pyruvate dehydrogenase E1-alpha deficiency (PDHAD). Also called: ATAXIA, INTERMITTENT, WITH PYRUVATE DEHYDROGENASE DEFICIENCY; ATAXIA WITH LACTIC ACIDOSIS I; ATAXIA, INTERMITTENT, WITH ABNORMAL PYRUVATE METABOLISM; Ataxia, intermittent, with pyruvate dehydrogenase, or decarboxylase, deficiency. Identifiers: Orphanet 79243, MedGen C1839413, MONDO:0010717, OMIM 312170.

Submission:

PDHA1 Study Group, University Children’s Hospital, Paracelsus Medical University
Classification: Pathogenic for Pyruvate dehydrogenase E1-alpha deficiency. Last evaluated: 2024-10-15. Review status: no assertion criteria provided. Collection method: research. Allele origin: de novo. Affected: yes. Observed: 2 variant alleles.
Comment: The NM_000284.3:c.899+1G>C (p.?) variant affects splicing in PDHA1 gene. In total, 2 individuals were diagnosed with PDHA1-related Pyruvate dehydrogenase complex (PDHc) deficiency (MIM #312170). Among them, 1 case had confirmed de novo occurrence. The variant has been reported in 2 published cases (PMIDs: 21723463, 23021068, 28918066). Last literature search: July 12, 2024. This variant is absent or extremely rare in population-based cohorts in the Genome Aggregation Database (gnomAD). Individuals harboring this variant presented with clinical features compatible with PDHA1-related PDHc deficiency. In summary, this variant meets criteria to be classified as pathogenic (P) for PDHA1-related PDHc deficiency based on the ACMG/AMP criteria applied: PVS1, PS3, PM2, PM7 (last assessment October 15, 2024).

Literature cited by the submitters: PubMed 21723463; PubMed 23021068; PubMed 28918066; DOI 10.1093/brain/awaf430.